The following is an entry in ClinVar:

ClinVar aggregate classification (germline): Uncertain significance (1 of 4 stars; one submission).

Conditions:
Duchenne muscular dystrophy (DMD). Also called: MUSCULAR DYSTROPHY, PSEUDOHYPERTROPHIC PROGRESSIVE, DUCHENNE TYPE; Duchenne Muscular Dystrophy (DMD). Identifiers: Orphanet 98896, MedGen C0013264, MONDO:0010679, OMIM 310200.

Submission:

Labcorp Genetics (formerly Invitae), Labcorp
Classification: Uncertain significance for Duchenne muscular dystrophy. Last evaluated: 2021-06-16. Review status: criteria provided, single submitter. Criteria: Invitae Variant Classification Sherloc (09022015). Collection method: clinical testing. Allele origin: germline.
Comment: This sequence change affects codon 2254 of the DMD mRNA. It is a 'silent' change, meaning that it does not change the encoded amino acid sequence of the DMD protein. This variant also falls at the last nucleotide of exon 46, which is part of the consensus splice site for this exon. This variant is not present in population databases (ExAC no frequency). This variant has been observed in individual(s) with clinical features of DMD-related conditions (Invitae). ClinVar contains an entry for this variant (Variation ID: 661504). Nucleotide substitutions within the consensus splice site are a relatively common cause of aberrant splicing (PMID: 17576681, 9536098). Algorithms developed to predict the effect of sequence changes on RNA splicing suggest that this variant may disrupt the consensus splice site, but this prediction has not been confirmed by published transcriptional studies. In summary, the available evidence is currently insufficient to determine the role of this variant in disease. Therefore, it has been classified as a Variant of Uncertain Significance.

Literature cited by the submitters: PubMed 17576681; PubMed 9536098.

NM_004006.3(DMD):c.6762G>A (p.Lys2254=)

Gene: DMD (dystrophin; minus strand). Cytogenetic location: Xp21.1.
Variant type: single nucleotide variant.
Coding change: c.6762G>A on transcript NM_004006.3 (MANE Select); coding-DNA position 6762, G replaced by A.
Protein change: p.Lys2254=; no amino-acid change (lysine 2254 retained).
Molecular consequence: synonymous variant. On other transcripts: 5 prime UTR variant (5).
Genome position (GRCh38, 1-based): chrX:31,932,080, C>T on the plus strand (G>A on the coding strand, the complement: DMD is on the minus strand). VCF-style: chrX-31932080-C-T. GRCh37 (hg19) VCF-style: chrX-31950197-C-T.
Other names: c.6738G>A, p.Lys2246= (NM_000109.4); c.6750G>A, p.Lys2250= (NM_004009.3); c.6393G>A, p.Lys2131= (NM_004010.3); c.2739G>A, p.Lys913= (NM_004011.4); c.2730G>A, p.Lys910= (NM_004012.4); c.-619G>A (NM_004013.3, NM_004020.4, NM_004021.3 and 2 more transcripts).
Identifiers: ClinVar variation 661504 (VCV000661504.9), dbSNP rs1569516110, ClinGen allele CA515859706.